The following is an entry in ClinVar:

NM_000169.3(GLA):c.196G>C (p.Glu66Gln)

Genes: GLA (galactosidase alpha; minus strand), RPL36A-HNRNPH2 (RPL36A-HNRNPH2 readthrough; plus strand). Cytogenetic location: Xq22.1.
Variant type: single nucleotide variant.
Coding change: c.196G>C on transcript NM_000169.3 (MANE Select); coding-DNA position 196, G replaced by C.
Protein change: p.Glu66Gln; replaces glutamic acid 66 with glutamine.
Molecular consequence: missense variant. On other transcripts: non-coding transcript variant (3), intron variant (2).
Genome position (GRCh38, 1-based): chrX:101,403,984, C>G on the plus strand (G>C on the coding strand, the complement: GLA is on the minus strand). VCF-style: chrX-101403984-C-G. GRCh37 (hg19) VCF-style: chrX-100658972-C-G.
Other names: c.319G>C, p.Glu107Gln (NM_001406747.1, NM_001406749.1); c.196G>C, p.Glu66Gln (NM_001406748.1); c.301-7952C>G (NM_001199973.2); c.178-7952C>G (NM_001199974.2); short protein forms E66Q, E107Q.
Identifiers: ClinVar variation 163548 (VCV000163548.34), dbSNP rs104894833, ClinGen allele CA021590.
Genomic context (GRCh38, chrX:101,403,984, plus strand): 5'-AACCTGCATCCTTCCAGCCTTCTGAGACCATGAGCTCTGCCATCTCCATGAAGAGCTTCT[C>G]ACTGAAAGAGAAATTCCAATAATCATTACAATTCATTAAATGAACACTTAGGTACCTCCC-3'
Protein context (NP_000160.1, residues 56-76): CQEEPDSCIS[Glu66Gln]KLFMEMAELM

ClinVar aggregate classification (germline): Conflicting classifications of pathogenicity. Review status: criteria provided, conflicting classifications (1 of 4 stars). 15 submissions from 15 submitters: Uncertain significance (7); Likely benign (6). 2 of the submissions do not count toward it. Last evaluated 2026-09-08.

Conditions:
GLA-related disorder. Also called: GLA-related condition.
Cardiovascular phenotype. Identifiers: MedGen CN230736.
Fabry disease. Also called: Fabry's disease; ALPHA-GALACTOSIDASE A DEFICIENCY; ANDERSON-FABRY DISEASE; CERAMIDE TRIHEXOSIDASE DEFICIENCY; GLA DEFICIENCY; HEREDITARY DYSTOPIC LIPIDOSIS. Identifiers: Orphanet 324, MedGen C0002986, MONDO:0010526, OMIM 301500, HP:0001071. Disease mechanism: loss of function, Fabry disease is due to inactivating mutations in the X-linked GLA gene resulting in deficiency of the enzyme Alpha Galactosidase-A..

Allele frequency attached by ClinVar (database versions not stated): gnomAD 0.00004 and 0.00002; gnomAD exomes 0.00012 and 0.00015; 1000 Genomes Project 0.00026; TOPMed 0.00003; ExAC 0.00013; 1000 Genomes Project 30x 0.00021.
gnomAD v4.1: 159 of 1,203,291 alleles (0.013%); highest among the groups gnomAD compares: East Asian, 0.46%; 2 homozygotes.

Submissions 1 to 5 of 15:

Genomenon, Inc
Classification: Likely benign for Fabry disease. Last evaluated: 2026-09-08. Review status: criteria provided, single submitter. Criteria: Genomenon Sequence Variant Interpretation Standards - Updated. Collection method: curation. Allele origin: germline. Affected: yes.
Comment: GLA p.Glu66Gln (c.196G>C) is a missense variant that changes the amino acid at codon 66 from Glutamic acid to Glutamine. This variant has been observed in at least one proband with clinical features consistent with Fabry disease (PMID:28275245;20300124;24236025;22563919;23724928;34282462;18205205;19844084;26456105;11137837). The variant was found to segregate with disease in at least one affected family (PMID:26456105;11137837). Functional or patient cell studies have been reported (PMID:28275245;24386359;26456105;21598360;24236025;19621417;20300124;17555407;18205205;19287194;11137837). In silico models predict that this variant is possibly or probably damaging. This variant's allele frequency in gnomAD is greater than expected for this disorder. In conclusion, we classify GLA p.Glu66Gln (c.196G>C) as a likely benign variant.

Molecular Diagnostic Laboratory for Inherited Cardiovascular Disease, Montreal Heart Institute
Classification: Uncertain significance for Cardiovascular phenotype. Last evaluated: 2025-07-24. Review status: criteria provided, single submitter. Criteria: ACMG Guidelines, 2015. Collection method: clinical testing. Allele origin: germline. Affected: yes.
Comment: PS3_supp, PM5_supp, PP2, PP3, BS1

Ambry Genetics
Classification: Uncertain significance for Cardiovascular phenotype. Last evaluated: 2025-05-14. Review status: criteria provided, single submitter. Criteria: Ambry Variant Classification Scheme 2023. Collection method: clinical testing. Allele origin: germline.
Comment: The p.E66Q variant (also known as c.196G>C), located in coding exon 2 of the GLA gene, results from a G to C substitution at nucleotide position 196. The glutamic acid at codon 66 is replaced by glutamine, an amino acid with highly similar properties. Additionally, this alteration was detected in several individuals with concerns for late onset Fabry disease (Yoshitama T et al. Am J Cardiol, 2001 Jan;87:71-5; Nakao S et al. Kidney Int, 2003 Sep;64:801-7; Shimotori M et al. Hum Mutat, 2008 Feb;29:331; Nakamura K et al. J Hum Genet, 2010 Apr;55:259-61; Lee BH et al. J Hum Genet, 2010 Aug;55:512-7; Kobayashi M et al. Mol Genet Metab, 2012 Dec;107:711-5; Doi K et al. J Hum Genet, 2012 Sep;57:575-9; Tomizawa Y et al. Intern Med, 2015 Oct;54:2503-6; Satomura A et al. Intern Med, 2015 Jul;54:1819-24; Oikawa M et al. BMC Cardiovasc Disord, 2016 May;16:83; Sakuraba H et al. Mol Genet Metab Rep, 2018 Dec;17:73-79; Kinoshita N et al. J Stroke Cerebrovasc Dis, 2018 Dec;27:3563-3569; Kim WS et al. J Korean Med Sci, 2019 Feb;34:e63). In vitro studies showed this alteration may not impact protein function (Hwu WL et al. Hum Mutat, 2009 Oct;30:1397-405; Park JY et al. Exp Mol Med, 2009 Jan;41:1-7). Based on data from gnomAD, the C allele has an overall frequency of 0.0108% (22/204601) total alleles studied, with 5 hemizygote(s) observed. The highest observed frequency was 0.1480% (22/14865) of East Asian alleles. This amino acid position is highly conserved in available vertebrate species. In addition, this alteration is predicted to be deleterious by in silico analysis. Since supporting evidence is limited at this time, the clinical significance of this alteration remains unclear.

Labcorp Genetics (formerly Invitae), Labcorp
Classification: Uncertain significance for Fabry disease. Last evaluated: 2025-01-22. Review status: criteria provided, single submitter. Criteria: Invitae Variant Classification Sherloc (09022015). Collection method: clinical testing. Allele origin: germline.
Comment: This sequence change replaces glutamic acid, which is acidic and polar, with glutamine, which is neutral and polar, at codon 66 of the GLA protein (p.Glu66Gln). This variant is present in population databases (rs104894833, gnomAD 0.1%), and has an allele count higher than expected for a pathogenic variant. This missense change has been observed in individual(s) with classic, non-classic, and late onset Fabry disease and/or hypertrophic cardiomyopathy and renal failure without accumulation of Gb-3 or lysosomal deposits reported on renal or cardiac biopsy (PMID: 1315715, 7575533, 11137837, 20505683, 22874111, 23146289, 26179544, 26456105, 27160240). It has also been observed to segregate with disease in related individuals. ClinVar contains an entry for this variant (Variation ID: 163548). An algorithm developed to predict the effect of missense changes on protein structure and function (PolyPhen-2) suggests that this variant is likely to be disruptive. Experimental studies have shown that this missense change does not substantially affect GLA function (PMID: 22305854, 26179544). In summary, the available evidence is currently insufficient to determine the role of this variant in disease. Therefore, it has been classified as a Variant of Uncertain Significance.

Revvity Omics, Revvity
Classification: Uncertain significance. Last evaluated: 2023-07-28. Review status: criteria provided, single submitter. Criteria: ACMG Guidelines, 2015. Collection method: clinical testing. Allele origin: germline.